The following is an entry in ClinVar:

ClinVar aggregate classification (germline): Uncertain significance. Review status: criteria provided, multiple submitters, no conflicts (2 of 4 stars). 2 submissions from 2 submitters: Uncertain significance (2). Last evaluated 2025-10-06.

Conditions:
Pulmonary fibrosis and/or bone marrow failure, Telomere-related, 3. Also called: PULMONARY FIBROSIS AND/OR BONE MARROW FAILURE SYNDROME, TELOMERE-RELATED, 3. Identifiers: Orphanet 2032, MedGen C4225346, MONDO:0014613, OMIM 616373.
Dyskeratosis congenita, autosomal recessive 5 (DKCB5). Identifiers: MedGen C3554656, MONDO:0014076, OMIM 615190.
Inborn genetic diseases. Identifiers: MedGen C0950123, MeSH D030342.

Submissions (2):

Ambry Genetics
Classification: Uncertain significance for Inborn genetic diseases. Last evaluated: 2025-10-06. Review status: criteria provided, single submitter. Criteria: Ambry Variant Classification Scheme 2023. Collection method: clinical testing. Allele origin: germline.
Comment: The p.Q118H variant (also known as c.354A>C), located in coding exon 3 of the RTEL1 gene, results from an A to C substitution at nucleotide position 354. The glutamine at codon 118 is replaced by histidine, an amino acid with highly similar properties. This amino acid position is conserved. In addition, this alteration is predicted to be deleterious by in silico analysis. Based on the available evidence, the clinical significance of this variant remains unclear.

Fulgent Genetics
Classification: Uncertain significance for Dyskeratosis congenita, autosomal recessive 5; Pulmonary fibrosis and/or bone marrow failure, Telomere-related, 3. Last evaluated: 2024-02-05. Review status: criteria provided, single submitter. Criteria: ACMG Guidelines, 2015. Collection method: clinical testing. Allele origin: germline.

NM_001283009.2(RTEL1):c.354A>C (p.Gln118His)

Genes: RTEL1 (regulator of telomere elongation helicase 1; plus strand), RTEL1-TNFRSF6B (RTEL1-TNFRSF6B readthrough (NMD candidate); plus strand). Cytogenetic location: 20q13.33.
Variant type: single nucleotide variant.
Coding change: c.354A>C on transcript NM_001283009.2 (MANE Select); coding-DNA position 354, A replaced by C.
Protein change: p.Gln118His; replaces glutamine 118 with histidine.
Molecular consequence: missense variant. On other transcripts: non-coding transcript variant (1), 5 prime UTR variant (1).
Genome position (GRCh38, 1-based): chr20:63,661,902, A>C. VCF-style: chr20-63661902-A-C. GRCh37 (hg19) VCF-style: chr20-62293255-A-C.
Other names: c.-316A>C (NM_001283010.1); c.354A>C, p.Gln118His (NM_016434.4, NM_032957.5); short protein forms Q118H.
Identifiers: ClinVar variation 3587597 (VCV003587597.2).
Genomic context (GRCh38, chr20:63,661,902, plus strand): 5'-CTGGTCAGCTTGCTACACGGACATCCCAAAGATTATTTACGCCTCCAGGACCCACTCGCA[A>C]CTCACACAGGTCATCAACGAGCTTCGGAACACCTCCTACCGGTGGGTCAGACGAGTTTAC-3'
Protein context (NP_001269938.1, residues 108-128): KIIYASRTHS[Gln118His]LTQVINELRN